The following is an entry in ClinVar:

NM_000168.6(GLI3):c.1468G>T (p.Glu490Ter)

Gene: GLI3 (GLI family zinc finger 3; minus strand). Cytogenetic location: 7p14.1.
Variant type: single nucleotide variant.
Coding change: c.1468G>T on transcript NM_000168.6 (MANE Select); coding-DNA position 1468, G replaced by T.
Protein change: p.Glu490Ter; replaces glutamic acid 490 with a stop codon.
Molecular consequence: nonsense.
Genome position (GRCh38, 1-based): chr7:42,023,497, C>A on the plus strand (G>T on the coding strand, the complement: GLI3 is on the minus strand). VCF-style: chr7-42023497-C-A. GRCh37 (hg19) VCF-style: chr7-42063096-C-A.
Other names: short protein forms E490*.
Identifiers: ClinVar variation 3256652 (VCV003256652.1).
Genomic context (GRCh38, chr7:42,023,497, plus strand): 5'-AAAGCTCGGTTCCTGAATACCATCCACTTACGTGCACAAGCTGCTCTTGGGTGTCGAACT[C>A]CCTCGCGCAGCCTTCCCAGTGGCAGTTTGTCTCATAGATGACTTCAGGCTCCTGTTTGCT-3'

ClinVar aggregate classification (germline): Pathogenic (1 of 4 stars; one submission).

Conditions:
Greig cephalopolysyndactyly syndrome (GCPS). Also called: GLI3-Related Greig Cephalopolysyndactyly Syndrome; POLYSYNDACTYLY WITH PECULIAR SKULL SHAPE; Greig syndrome. Identifiers: Orphanet 380, MedGen C0265306, MONDO:0008287, OMIM 175700.

Submission:

MVZ Medizinische Genetik Mainz
Classification: Pathogenic for Greig cephalopolysyndactyly syndrome. Last evaluated: 2024-04-15. Review status: criteria provided, single submitter. Criteria: UK Practice Guidelines For Variant Classification V4 01 2020. Collection method: clinical testing. Allele origin: germline. Inheritance: Autosomal dominant inheritance. Observed: 1 variant allele.
Comment: ACMG Criteria: PVS1,PM2_SUP,PP4